The following is an entry in ClinVar:

NM_004963.4(GUCY2C):c.1532del (p.Lys511fs)

Gene: GUCY2C (guanylate cyclase 2C; minus strand). Cytogenetic location: 12p12.3.
Variant type: Deletion.
Coding change: c.1532del on transcript NM_004963.4 (MANE Select); coding-DNA position 1532, one base deleted (A; older notation c.1532delA).
Protein change: p.Lys511fs; shifts the reading frame from lysine 511.
Molecular consequence: frameshift variant.
Genome position (GRCh38, 1-based): chr12:14,652,953, T deleted on the plus strand (A on the coding strand, the reverse complement: GUCY2C is on the minus strand); the first of 5 consecutive T bases (chr12:14,652,953-14,652,957); deleting any one gives the same sequence. VCF-style (leftmost placement, unchanged base first): chr12-14652952-CT-C. GRCh37 (hg19) VCF-style: chr12-14805886-CT-C.
Other names: short protein forms K511fs.
Identifiers: ClinVar variation 2631958 (VCV002631958.4), dbSNP rs766818283, ClinGen allele CA6463388.

ClinVar aggregate classification (germline): Conflicting classifications of pathogenicity. Review status: criteria provided, conflicting classifications (1 of 4 stars). 3 submissions from 3 submitters: Likely pathogenic (1); Uncertain significance (2). Last evaluated 2024-05-08.

Conditions:
GUCY2C-related disorder. Also called: GUCY2C-related condition.
GUCY2C-related disorders.

Submissions (3):

Labcorp Genetics (formerly Invitae), Labcorp
Classification: Uncertain significance. Last evaluated: 2024-05-08. Review status: criteria provided, single submitter. Criteria: Invitae Variant Classification Sherloc (09022015). Collection method: clinical testing. Allele origin: germline.
Comment: This sequence change creates a premature translational stop signal (p.Lys511Serfs*3) in the GUCY2C gene. It is expected to result in an absent or disrupted protein product. However, the current clinical and genetic evidence is not sufficient to establish whether loss-of-function variants in GUCY2C cause disease. This variant is present in population databases (rs766818283, gnomAD 0.02%). This variant has not been reported in the literature in individuals affected with GUCY2C-related conditions. ClinVar contains an entry for this variant (Variation ID: 2631958). In summary, the available evidence is currently insufficient to determine the role of this variant in disease. Therefore, it has been classified as a Variant of Uncertain Significance.

PreventionGenetics, part of Exact Sciences
Classification: Uncertain significance for GUCY2C-related condition. Last evaluated: 2023-04-05. Review status: criteria provided, single submitter. Criteria: ACMG Guidelines, 2015. Collection method: clinical testing. Allele origin: germline.
Comment: The GUCY2C c.1532delA variant is predicted to result in a frameshift and premature protein termination (p.Lys511Serfs*3). To our knowledge, this variant has not been reported in the literature. This variant is reported in 0.018% of alleles in individuals of African descent in gnomAD. Although we suspect that this variant may be pathogenic, at this time, the clinical significance of this variant is uncertain due to the absence of conclusive functional and genetic evidence.

Blueprint Genetics
Classification: Likely pathogenic for GUCY2C-related disorders. Last evaluated: 2021-11-30. Review status: criteria provided, single submitter. Criteria: ACMG Guidelines, 2015. Collection method: clinical testing. Allele origin: germline. Affected: yes. Observed: 1 variant allele.